The following is an entry in ClinVar:

ClinVar aggregate classification (germline): Uncertain significance (1 of 4 stars; one submission).

Submission:

Labcorp Genetics (formerly Invitae), Labcorp
Classification: Uncertain significance. Last evaluated: 2023-10-05. Review status: criteria provided, single submitter. Criteria: Invitae Variant Classification Sherloc (09022015). Collection method: clinical testing. Allele origin: germline.
Comment: This sequence change replaces proline, which is neutral and non-polar, with alanine, which is neutral and non-polar, at codon 597 of the KMT2B protein (p.Pro597Ala). This variant is not present in population databases (gnomAD no frequency). This variant has not been reported in the literature in individuals affected with KMT2B-related conditions. Advanced modeling of protein sequence and biophysical properties (such as structural, functional, and spatial information, amino acid conservation, physicochemical variation, residue mobility, and thermodynamic stability) performed at Invitae indicates that this missense variant is not expected to disrupt KMT2B protein function. In summary, the available evidence is currently insufficient to determine the role of this variant in disease. Therefore, it has been classified as a Variant of Uncertain Significance.

NM_014727.3(KMT2B):c.1789C>G (p.Pro597Ala)

Gene: KMT2B (lysine methyltransferase 2B; plus strand). Cytogenetic location: 19q13.12.
Variant type: single nucleotide variant.
Coding change: c.1789C>G on transcript NM_014727.3 (MANE Select); coding-DNA position 1789, C replaced by G.
Protein change: p.Pro597Ala; replaces proline 597 with alanine.
Molecular consequence: missense variant.
Genome position (GRCh38, 1-based): chr19:35,721,136, C>G. VCF-style: chr19-35721136-C-G. GRCh37 (hg19) VCF-style: chr19-36212038-C-G.
Other names: short protein forms P597A.
Identifiers: ClinVar variation 2842247 (VCV002842247.3), dbSNP rs920292369, ClinGen allele CA405393908.